The following is an entry in ClinVar:

NM_000051.4(ATM):c.8362C>A (p.His2788Asn)

Genes: ATM (ATM serine/threonine kinase; plus strand), C11orf65 (chromosome 11 open reading frame 65; minus strand). Cytogenetic location: 11q22.3.
Variant type: single nucleotide variant.
Coding change: c.8362C>A on transcript NM_000051.4 (MANE Select); coding-DNA position 8362, C replaced by A.
Protein change: p.His2788Asn; replaces histidine 2788 with asparagine.
Molecular consequence: missense variant. On other transcripts: intron variant (2).
Genome position (GRCh38, 1-based): chr11:108,343,315, C>A. VCF-style: chr11-108343315-C-A. GRCh37 (hg19) VCF-style: chr11-108214042-C-A.
Other names: c.8362C>A, p.His2788Asn (NM_001351834.2); c.641-34244G>T (NM_001330368.2); c.695-8023G>T (NM_001351110.2); short protein forms H2788N.
Identifiers: ClinVar variation 2038689 (VCV002038689.3), dbSNP rs2136948626, ClinGen allele CA382516504.

ClinVar aggregate classification (germline): Uncertain significance (1 of 4 stars; one submission).

Conditions:
Ataxia-telangiectasia syndrome (AT). Also called: Ataxia-telangiectasia, complementation group D; AT, COMPLEMENTATION GROUP C; ATAXIA-TELANGIECTASIA, COMPLEMENTATION GROUP A; ATAXIA-TELANGIECTASIA, FRESNO VARIANT; Ataxia-telangiectasia, complementation group E; LOUIS-BAR SYNDROME. Identifiers: Orphanet 100, MedGen C0004135, MONDO:0008840, OMIM 208900.

Submission:

Labcorp Genetics (formerly Invitae), Labcorp
Classification: Uncertain significance for Ataxia-telangiectasia syndrome. Last evaluated: 2023-12-16. Review status: criteria provided, single submitter. Criteria: Invitae Variant Classification Sherloc (09022015). Collection method: clinical testing. Allele origin: germline.
Comment: This sequence change replaces histidine, which is basic and polar, with asparagine, which is neutral and polar, at codon 2788 of the ATM protein (p.His2788Asn). This variant is not present in population databases (gnomAD no frequency). This variant has not been reported in the literature in individuals affected with ATM-related conditions. ClinVar contains an entry for this variant (Variation ID: 2038689). An algorithm developed to predict the effect of missense changes on protein structure and function (PolyPhen-2) suggests that this variant is likely to be disruptive. In summary, the available evidence is currently insufficient to determine the role of this variant in disease. Therefore, it has been classified as a Variant of Uncertain Significance.